The following is an entry in ClinVar:

ClinVar aggregate classification (germline): Uncertain significance (1 of 4 stars; one submission).

Submission:

Labcorp Genetics (formerly Invitae), Labcorp
Classification: Uncertain significance. Last evaluated: 2025-12-23. Review status: criteria provided, single submitter. Criteria: Invitae Variant Classification Sherloc (09022015). Collection method: clinical testing. Allele origin: germline.
Comment: This variant, c.2953_2955del, results in the deletion of 1 amino acid(s) of the KMT2A protein (p.Lys985del), but otherwise preserves the integrity of the reading frame. This variant is not present in population databases (gnomAD no frequency). This variant has not been reported in the literature in individuals affected with KMT2A-related conditions. Experimental studies and prediction algorithms are not available or were not evaluated, and the functional significance of this variant is currently unknown. In summary, the available evidence is currently insufficient to determine the role of this variant in disease. Therefore, it has been classified as a Variant of Uncertain Significance.

NM_001197104.2(KMT2A):c.2953_2955del (p.Lys985del)

Gene: KMT2A (lysine methyltransferase 2A; plus strand). Cytogenetic location: 11q23.3.
Variant type: Deletion.
Coding change: c.2953_2955del on transcript NM_001197104.2 (MANE Select); coding-DNA positions 2953 to 2955, 3 bases deleted (AAG; older notation c.2953_2955delAAG).
Protein change: p.Lys985del; deletes lysine 985.
Genome position (GRCh38, 1-based): chr11:118,474,112-118,474,114, AAG deleted; deleting any 3 consecutive bases within chr11:118,474,110-118,474,114 gives the same sequence; the c. name uses the placement nearest the transcript's 3' end. VCF-style (leftmost placement, unchanged base first): chr11-118474109-GAGA-G. GRCh37 (hg19) VCF-style: chr11-118344824-GAGA-G.
Other names: c.3052_3054del, p.Lys1018del (NM_001412597.1); c.2953_2955del, p.Lys985del (NM_005933.4); short protein forms K1018del, K985del.
Identifiers: ClinVar variation 4772462 (VCV004772462.1).